The following is an entry in ClinVar:

ClinVar aggregate classification (germline): Uncertain significance (1 of 4 stars; one submission).

Conditions:
Familial cancer of breast. Also called: Hereditary breast cancer; hereditary breast carcinoma; BREAST CANCER, FAMILIAL. Identifiers: Orphanet 227535, MedGen C0346153, MONDO:0016419, OMIM 114480. Disease mechanism: loss of function.

Submission:

Division of Medical Genetics, University of Washington
Classification: Uncertain significance for Familial cancer of breast. Last evaluated: 2020-02-25. Review status: criteria provided, single submitter. Criteria: ACMG Guidelines, 2015. Collection method: clinical testing. Allele origin: germline. Affected: no. Study: CSER_CHARM.
Comment: To our knowledge, this sequence variant has not been previously reported in the literature. This variant is not present in population databases. In silico analyses indicate this is an evolutionarily conserved residue. Thus, it is unknown at this time whether this variant increases cancer risk. PM2; PP3

NM_000051.4(ATM):c.8923G>C (p.Glu2975Gln)

Genes: ATM (ATM serine/threonine kinase; plus strand), C11orf65 (chromosome 11 open reading frame 65; minus strand). Cytogenetic location: 11q22.3.
Variant type: single nucleotide variant.
Coding change: c.8923G>C on transcript NM_000051.4 (MANE Select); coding-DNA position 8923, G replaced by C.
Protein change: p.Glu2975Gln; replaces glutamic acid 2975 with glutamine.
Molecular consequence: missense variant. On other transcripts: intron variant (2).
Genome position (GRCh38, 1-based): chr11:108,365,154, G>C. VCF-style: chr11-108365154-G-C. GRCh37 (hg19) VCF-style: chr11-108235881-G-C.
Other names: c.8923G>C, p.Glu2975Gln (NM_001351834.2); c.640+20766C>G (NM_001330368.2); c.694+20766C>G (NM_001351110.2); short protein forms E2975Q.
Identifiers: ClinVar variation 978774 (VCV000978774.3), dbSNP rs2091208125, ClinGen allele CA382529971.
Genomic context (GRCh38, chr11:108,365,154, plus strand): 5'-GATCCACTCTTTGACTGGACCATGAATCCTTTGAAAGCTTTGTATTTACAGCAGAGGCCG[G>C]AAGATGAAACTGAGCTTCACCCTACTCTGAATGCAGATGACCAAGAATGCAAACGAAATC-3'
Protein context (NP_000042.3, residues 2965-2985): LKALYLQQRP[Glu2975Gln]DETELHPTLN